The following is an entry in ClinVar:

NM_000179.3(MSH6):c.3218C>T (p.Pro1073Leu)

Gene: MSH6 (mutS homolog 6; plus strand). Cytogenetic location: 2p16.3.
Variant type: single nucleotide variant.
Coding change: c.3218C>T on transcript NM_000179.3 (MANE Select); coding-DNA position 3218, C replaced by T.
Protein change: p.Pro1073Leu; replaces proline 1073 with leucine.
Molecular consequence: missense variant. On other transcripts: 5 prime UTR variant (1), non-coding transcript variant (5), intron variant (1).
Genome position (GRCh38, 1-based): chr2:47,803,465, C>T. VCF-style: chr2-47803465-C-T. GRCh37 (hg19) VCF-style: chr2-48030604-C-T.
Other names: c.2828C>T, p.Pro943Leu (NM_001281492.2); c.2312C>T, p.Pro771Leu (NM_001281493.2, NM_001281494.2, NM_001406811.1 and 6 more transcripts); c.3314C>T, p.Pro1105Leu (NM_001406795.1, NM_001406802.1); c.3218C>T, p.Pro1073Leu (NM_001406796.1, NM_001406800.1, NM_001406808.1 and 1 more transcripts); c.2921C>T, p.Pro974Leu (NM_001406797.1, NM_001406801.1, NM_001406805.1 and 10 more transcripts); c.2693C>T, p.Pro898Leu (NM_001406799.1, NM_001406806.1, NM_001406807.1); c.2354C>T, p.Pro785Leu (NM_001406803.1); c.3140C>T, p.Pro1047Leu (NM_001406804.1); and 7 more; short protein forms P1105L, P943L, P1047L, P22L, P388L, P551L, P771L, P785L.
Identifiers: ClinVar variation 3398939 (VCV003398939.1).

ClinVar aggregate classification (germline): Uncertain significance (1 of 4 stars; one submission).

Conditions:
Hereditary cancer-predisposing syndrome. Also called: Hereditary Cancer Syndrome; Tumor predisposition; Hereditary neoplastic syndrome; Neoplastic Syndromes, Hereditary. Identifiers: Orphanet 140162, MedGen C0027672, MeSH D009386, MONDO:0015356.

Submission:

Ambry Genetics
Classification: Uncertain significance for Hereditary cancer-predisposing syndrome. Last evaluated: 2024-10-11. Review status: criteria provided, single submitter. Criteria: Ambry Variant Classification Scheme 2023. Collection method: clinical testing. Allele origin: germline.
Comment: The p.P1073L variant (also known as c.3218C>T), located in coding exon 5 of the MSH6 gene, results from a C to T substitution at nucleotide position 3218. The proline at codon 1073 is replaced by leucine, an amino acid with similar properties. This amino acid position is conserved. In addition, the in silico prediction for this alteration is inconclusive. Based on the available evidence, the clinical significance of this variant remains unclear.